The following is an entry in ClinVar:

ClinVar aggregate classification (germline): Uncertain significance (1 of 4 stars; one submission).

Conditions:
Kabuki syndrome. Also called: Kabuki make-up syndrome; NIIKAWA-KUROKI SYNDROME. Identifiers: Orphanet 2322, MedGen C0796004, MONDO:0016512.

Allele frequency attached by ClinVar (database versions not stated): gnomAD exomes below 0.00001; TOPMed below 0.00001.

Submission:

Labcorp Genetics (formerly Invitae), Labcorp
Classification: Uncertain significance for Kabuki syndrome. Last evaluated: 2022-12-13. Review status: criteria provided, single submitter. Criteria: Invitae Variant Classification Sherloc (09022015). Collection method: clinical testing. Allele origin: germline.
Comment: In summary, the available evidence is currently insufficient to determine the role of this variant in disease. Therefore, it has been classified as a Variant of Uncertain Significance. Advanced modeling of protein sequence and biophysical properties (such as structural, functional, and spatial information, amino acid conservation, physicochemical variation, residue mobility, and thermodynamic stability) performed at Invitae indicates that this missense variant is not expected to disrupt KMT2D protein function. This variant has not been reported in the literature in individuals affected with KMT2D-related conditions. This variant is not present in population databases (gnomAD no frequency). This sequence change replaces phenylalanine, which is neutral and non-polar, with tyrosine, which is neutral and polar, at codon 301 of the KMT2D protein (p.Phe301Tyr).

NM_003482.4(KMT2D):c.902T>A (p.Phe301Tyr)

Gene: KMT2D (lysine methyltransferase 2D; minus strand). Cytogenetic location: 12q13.12.
Variant type: single nucleotide variant.
Coding change: c.902T>A on transcript NM_003482.4 (MANE Select); coding-DNA position 902, T replaced by A.
Protein change: p.Phe301Tyr; replaces phenylalanine 301 with tyrosine.
Molecular consequence: missense variant.
Genome position (GRCh38, 1-based): chr12:49,053,259, A>T on the plus strand (T>A on the coding strand, the complement: KMT2D is on the minus strand). VCF-style: chr12-49053259-A-T. GRCh37 (hg19) VCF-style: chr12-49447042-A-T.
Other names: short protein forms F301Y.
Identifiers: ClinVar variation 2999286 (VCV002999286.3), dbSNP rs1938194302, ClinGen allele CA384679685.
Genomic context (GRCh38, chr12:49,053,259, plus strand): 5'-ACACTCACCTTGCACTTCCAAGAGTGAGCAGGCAGTTCCTCCATGGGTGGTTTTAGGCAG[A>T]AAGTATGGTATCCTTTGTCACACGTCTCACAAACCAACATCTTAGAGTCATTCCCAGGTT-3'
Protein context (NP_003473.3, residues 291-311): CETCDKGYHT[Phe301Tyr]CLKPPMEELP